The following is an entry in ClinVar:

NM_032043.3(BRIP1):c.919-18A>T

Gene: BRIP1 (BRCA1 interacting DNA helicase 1; minus strand). Cytogenetic location: 17q23.2.
Variant type: single nucleotide variant.
Coding change: c.919-18A>T on transcript NM_032043.3 (MANE Select); 18 bases into the intron before coding-DNA position 919, A replaced by T.
Molecular consequence: intron variant.
Genome position (GRCh38, 1-based): chr17:61,801,492, T>A on the plus strand (A>T on the coding strand, the complement: BRIP1 is on the minus strand). VCF-style: chr17-61801492-T-A. GRCh37 (hg19) VCF-style: chr17-59878853-T-A.
Identifiers: ClinVar variation 630096 (VCV000630096.12), dbSNP rs773910941, ClinGen allele CA292286137.

ClinVar aggregate classification (germline): Likely benign. Review status: criteria provided, multiple submitters, no conflicts (2 of 4 stars). 3 submissions from 3 submitters: Likely benign (3). Last evaluated 2025-12-24.

Conditions:
Familial cancer of breast. Also called: BREAST CANCER, FAMILIAL; Hereditary breast cancer; hereditary breast carcinoma. Identifiers: Orphanet 227535, MedGen C0346153, MONDO:0016419, OMIM 114480. Disease mechanism: loss of function.
Fanconi anemia complementation group J. Also called: BRIP1-Related Fanconi Anemia. Identifiers: Orphanet 84, MedGen C1836860, MONDO:0012187, OMIM 609054.
Hereditary cancer-predisposing syndrome. Also called: Tumor predisposition; Neoplastic Syndromes, Hereditary; Hereditary Cancer Syndrome; Hereditary neoplastic syndrome. Identifiers: Orphanet 140162, MedGen C0027672, MeSH D009386, MONDO:0015356.

Allele frequency attached by ClinVar (database versions not stated): TOPMed below 0.00001.

Submissions (3):

Labcorp Genetics (formerly Invitae), Labcorp
Classification: Likely benign for Familial cancer of breast; Fanconi anemia complementation group J. Last evaluated: 2025-12-24. Review status: criteria provided, single submitter. Criteria: Invitae Variant Classification Sherloc (09022015). Collection method: clinical testing. Allele origin: germline.

Myriad Genetics, Inc.
Classification: Likely benign for Familial cancer of breast. Last evaluated: 2024-08-22. Review status: criteria provided, single submitter. Criteria: Myriad Autosomal Dominant, Autosomal Recessive and X-Linked Classification Criteria (2023). Collection method: clinical testing. Allele origin: unknown.
Comment: This variant is considered likely benign. This variant is intronic and is not expected to impact mRNA splicing.

Color Diagnostics, LLC DBA Color Health
Classification: Likely benign for Hereditary cancer-predisposing syndrome. Last evaluated: 2018-09-25. Review status: criteria provided, single submitter. Criteria: ACMG Guidelines, 2015. Collection method: clinical testing. Allele origin: germline.